The following is an entry in ClinVar:

ClinVar aggregate classification (germline): Uncertain significance. Review status: criteria provided, multiple submitters, no conflicts (2 of 4 stars). 2 submissions from 2 submitters: Uncertain significance (2). Last evaluated 2022-07-12.

Allele frequency attached by ClinVar (database versions not stated): ExAC 0.00001; gnomAD 0.00001; gnomAD exomes 0.00001 and 0.00004.

Submissions (2):

Labcorp Genetics (formerly Invitae), Labcorp
Classification: Uncertain significance. Last evaluated: 2022-07-12. Review status: criteria provided, single submitter. Criteria: Invitae Variant Classification Sherloc (09022015). Collection method: clinical testing. Allele origin: germline.
Comment: This variant has not been reported in the literature in individuals affected with P2RX2-related conditions. In summary, the available evidence is currently insufficient to determine the role of this variant in disease. Therefore, it has been classified as a Variant of Uncertain Significance. Algorithms developed to predict the effect of sequence changes on RNA splicing suggest that this variant may disrupt the consensus splice site. Algorithms developed to predict the effect of missense changes on protein structure and function are either unavailable or do not agree on the potential impact of this missense change (SIFT: "Deleterious"; PolyPhen-2: "Probably Damaging"; Align-GVGD: "Class C0"). ClinVar contains an entry for this variant (Variation ID: 1490285). The frequency data for this variant in the population databases is considered unreliable, as metrics indicate poor data quality at this position in the gnomAD database. This sequence change replaces valine, which is neutral and non-polar, with methionine, which is neutral and non-polar, at codon 33 of the P2RX2 protein (p.Val33Met).

Blueprint Genetics
Classification: Uncertain significance. Last evaluated: 2022-01-20. Review status: criteria provided, single submitter. Criteria: ACMG Guidelines, 2015. Collection method: clinical testing. Allele origin: germline.

NM_170682.4(P2RX2):c.97G>A (p.Val33Met)

Gene: P2RX2 (purinergic receptor P2X 2; plus strand). Cytogenetic location: 12q24.33.
Variant type: single nucleotide variant.
Coding change: c.97G>A on transcript NM_170682.4 (MANE Select); coding-DNA position 97, G replaced by A.
Protein change: p.Val33Met; replaces valine 33 with methionine.
Molecular consequence: missense variant.
Genome position (GRCh38, 1-based): chr12:132,618,913, G>A. VCF-style: chr12-132618913-G-A. GRCh37 (hg19) VCF-style: chr12-133195499-G-A.
Other names: c.97G>A, p.Val33Met (NM_001282164.2, NM_001282165.2, NM_012226.5 and 4 more transcripts); short protein forms V33M.
Identifiers: ClinVar variation 1490285 (VCV001490285.9), dbSNP rs754340878, ClinGen allele CA6891322.
Genomic context (GRCh38, chr12:132,618,913, plus strand): 5'-ACCGCCCGGCGCCTGGCCCGGGGCTGCTGGTCCGCCCTCTGGGACTACGAGACGCCCAAG[G>A]TGATCGTGGTGAGGAACCGGCGCCTGGGGGTCCTGTACCGCGCCGTGCAGCTGCTCATCC-3'
Protein context (NP_733782.1, residues 23-43): SALWDYETPK[Val33Met]IVVRNRRLGV